The following is an entry in ClinVar:

NM_001297.5(CNGB1):c.1705C>T (p.Gln569Ter)

Gene: CNGB1 (cyclic nucleotide gated channel subunit beta 1; minus strand). Cytogenetic location: 16q21.
Variant type: single nucleotide variant.
Coding change: c.1705C>T on transcript NM_001297.5 (MANE Select); coding-DNA position 1705, C replaced by T.
Protein change: p.Gln569Ter; replaces glutamine 569 with a stop codon.
Molecular consequence: nonsense.
Genome position (GRCh38, 1-based): chr16:57,920,483, G>A on the plus strand (C>T on the coding strand, the complement: CNGB1 is on the minus strand). VCF-style: chr16-57920483-G-A. GRCh37 (hg19) VCF-style: chr16-57954387-G-A.
Other names: c.1687C>T, p.Gln563Ter (NM_001286130.2); short protein forms Q563*, Q569*.
Identifiers: ClinVar variation 2022426 (VCV002022426.4), dbSNP rs1463251101, ClinGen allele CA396066705.

ClinVar aggregate classification (germline): Pathogenic (1 of 4 stars; one submission).

Allele frequency attached by ClinVar (database versions not stated): gnomAD exomes below 0.00001; TOPMed below 0.00001.
gnomAD v4.1: 2 of 1,614,174 alleles (0.00012%); highest among the groups gnomAD compares: Non-Finnish European, 0.00017%; no homozygotes.

Submission:

Labcorp Genetics (formerly Invitae), Labcorp
Classification: Pathogenic. Last evaluated: 2025-04-01. Review status: criteria provided, single submitter. Criteria: Invitae Variant Classification Sherloc (09022015). Collection method: clinical testing. Allele origin: germline.
Comment: This sequence change creates a premature translational stop signal (p.Gln569*) in the CNGB1 gene. It is expected to result in an absent or disrupted protein product. Loss-of-function variants in CNGB1 are known to be pathogenic (PMID: 15557452, 24043777). This variant is present in population databases (no rsID available, gnomAD no frequency). This variant has not been reported in the literature in individuals affected with CNGB1-related conditions. ClinVar contains an entry for this variant (Variation ID: 2022426). For these reasons, this variant has been classified as Pathogenic.

Literature cited by the submitters: PubMed 15557452; PubMed 24043777.